The following is an entry in ClinVar:

ClinVar aggregate classification (germline): Conflicting classifications of pathogenicity. Review status: criteria provided, conflicting classifications (1 of 4 stars). 17 submissions from 13 submitters: Uncertain significance (4); Benign (2); Likely benign (6). 5 of the submissions do not count toward it. Last evaluated 2026-04-01.

Conditions:
CEP290-related disorder. Also called: CEP290-related condition; CEP290-related disorders. Identifiers: MedGen CN239314.
Joubert syndrome. Also called: Familial aplasia of the vermis; JOUBERT-BOLTSHAUSER SYNDROME. Identifiers: Orphanet 475, MedGen C5979921, MONDO:0018772.
Nephronophthisis. Also called: Juvenile Nephronophthisis. Identifiers: Orphanet 655, MedGen C0687120, MONDO:0019005, HP:0000090.
Meckel-Gruber syndrome. Also called: DYSENCEPHALIA SPLANCHNOCYSTICA; Dysencephalia splachnocystica; GRUBER SYNDROME. Identifiers: Orphanet 564, MedGen C0265215, MONDO:0018921.
Leber congenital amaurosis (LCA). Also called: Leber's amaurosis. Identifiers: Orphanet 65, MedGen C0339527, MeSH D057130, MONDO:0018998.
Meckel syndrome, type 4 (MKS4). Also called: MECKEL-GRUBER SYNDROME, TYPE 4. Identifiers: Orphanet 564, MedGen C1970161, MONDO:0012626, OMIM 611134.
Bardet-Biedl syndrome 14 (BBS14). Identifiers: Orphanet 110, MedGen C2673874, MONDO:0014442, OMIM 615991.
Leber congenital amaurosis 10 (LCA10). Identifiers: Orphanet 65, MedGen C1857821, MONDO:0012723, OMIM 611755.
Joubert syndrome 5 (JBTS5). Identifiers: Orphanet 2318, MedGen C1857780, MONDO:0012432, OMIM 610188.
Senior-Loken syndrome 6 (SLSN6). Identifiers: Orphanet 3156, MedGen C1857779, MONDO:0012433, OMIM 610189.

Allele frequency attached by ClinVar (database versions not stated): gnomAD 0.00133; TOPMed 0.00139; gnomAD exomes 0.00156; ExAC 0.00193; ESP Exome Variant Server 0.00241.
gnomAD v4.1: 3,288 of 1,611,908 alleles (0.2%); highest among the groups gnomAD compares: Non-Finnish European, 0.22%; 4 homozygotes.

Submissions (17):

CeGaT Center for Human Genetics Tuebingen
Classification: Likely benign. Last evaluated: 2026-04-01. Review status: criteria provided, single submitter. Criteria: CeGaT Center For Human Genetics Tuebingen Variant Classification Criteria Version 2. Collection method: clinical testing. Allele origin: germline. Affected: yes. Observed: 10 variant alleles.
Comment: CEP290: BP4, BP7

Labcorp Genetics (formerly Invitae), Labcorp
Classification: Benign for Joubert syndrome; Meckel-Gruber syndrome; Nephronophthisis. Last evaluated: 2026-01-28. Review status: criteria provided, single submitter. Criteria: Invitae Variant Classification Sherloc (09022015). Collection method: clinical testing. Allele origin: germline.

Blueprint Genetics
Classification: Likely benign. Last evaluated: 2024-11-27. Review status: criteria provided, single submitter. Criteria: ACMG Guidelines, 2015. Collection method: clinical testing. Allele origin: germline.

Pars Genome Lab
Classification: Likely benign for Joubert syndrome 5. Last evaluated: 2021-05-18. Review status: criteria provided, single submitter. Criteria: ACMG Guidelines, 2015. Collection method: clinical testing. Allele origin: germline. Affected: no.

Genetic Services Laboratory, University of Chicago
Classification: Likely benign. Last evaluated: 2020-04-30. Review status: criteria provided, single submitter. Criteria: ACMG Guidelines, 2015. Collection method: clinical testing. Allele origin: germline. Affected: no.

GeneDx
Classification: Benign. Last evaluated: 2019-08-08. Review status: criteria provided, single submitter. Criteria: GeneDx Variant Classification Process June 2021. Collection method: clinical testing. Allele origin: germline. Affected: yes.

Illumina Laboratory Services, Illumina
Classification: Uncertain significance for Joubert syndrome 5. Last evaluated: 2018-01-13. Review status: criteria provided, single submitter. Criteria: ICSL Variant Classification Criteria 13 December 2019. Collection method: clinical testing. Allele origin: germline.

Illumina Laboratory Services, Illumina
Classification: Uncertain significance for Meckel syndrome, type 4. Last evaluated: 2018-01-13. Review status: criteria provided, single submitter. Criteria: ICSL Variant Classification Criteria 13 December 2019. Collection method: clinical testing. Allele origin: germline.

Illumina Laboratory Services, Illumina
Classification: Uncertain significance for Bardet-Biedl syndrome 14. Last evaluated: 2018-01-13. Review status: criteria provided, single submitter. Criteria: ICSL Variant Classification Criteria 13 December 2019. Collection method: clinical testing. Allele origin: germline.

Illumina Laboratory Services, Illumina
Classification: Likely benign for Senior-Loken syndrome 6. Last evaluated: 2018-01-13. Review status: criteria provided, single submitter. Criteria: ICSL Variant Classification Criteria 13 December 2019. Collection method: clinical testing. Allele origin: germline.
Comment: This variant was observed in the ICSL laboratory as part of a predisposition screen in an ostensibly healthy population. It had not been previously curated by ICSL or reported in the Human Gene Mutation Database (HGMD: prior to June 1st, 2018), and was therefore a candidate for classification through an automated scoring system. Utilizing variant allele frequency, disease prevalence and penetrance estimates, and inheritance mode, an automated score was calculated to assess if this variant is too frequent to cause the disease. Based on the score and internal cut-off values, a variant classified as likely benign is not then subjected to further curation. The score for this variant resulted in a classification of likely benign for this disease.

Illumina Laboratory Services, Illumina
Classification: Uncertain significance for Leber congenital amaurosis 10. Last evaluated: 2018-01-13. Review status: criteria provided, single submitter. Criteria: ICSL Variant Classification Criteria 13 December 2019. Collection method: clinical testing. Allele origin: germline.

Eurofins Ntd Llc (ga)
Classification: Likely benign. Last evaluated: 2014-11-10. Review status: criteria provided, single submitter. Criteria: EGL Classification Definitions 2015. Collection method: clinical testing. Allele origin: germline. Observed: 1 variant allele, 1 heterozygote.

PreventionGenetics, part of Exact Sciences
Classification: Likely benign for CEP290-related condition. Last evaluated: 2023-09-14. Review status: no assertion criteria provided. Collection method: clinical testing. Allele origin: germline. Not counted in ClinVar's aggregate classification.
Comment: This variant is classified as likely benign based on ACMG/AMP sequence variant interpretation guidelines (Richards et al. 2015 PMID: 25741868, with internal and published modifications).

Natera, Inc.
Classification: Likely benign for Leber congenital amaurosis. Last evaluated: 2019-10-23. Review status: no assertion criteria provided. Collection method: clinical testing. Allele origin: germline. Not counted in ClinVar's aggregate classification.

Clinical Genetics DNA and cytogenetics Diagnostics Lab, Erasmus MC, Erasmus Medical Center
Classification: Likely benign. Review status: no assertion criteria provided. Collection method: clinical testing. Allele origin: germline. Affected: yes. Study: VKGL Data-share Consensus. Not counted in ClinVar's aggregate classification.

Clinical Genetics, Academic Medical Center
Classification: Likely benign. Review status: no assertion criteria provided. Collection method: clinical testing. Allele origin: germline. Affected: yes. Study: VKGL Data-share Consensus. Not counted in ClinVar's aggregate classification.

Genome Diagnostics Laboratory, University Medical Center Utrecht
Classification: Likely benign. Review status: no assertion criteria provided. Collection method: clinical testing. Allele origin: germline. Affected: yes. Study: VKGL Data-share Consensus. Not counted in ClinVar's aggregate classification.

NM_025114.4(CEP290):c.3654T>C (p.Leu1218=)

Gene: CEP290 (centrosomal protein 290; minus strand). Cytogenetic location: 12q21.32.
Variant type: single nucleotide variant.
Coding change: c.3654T>C on transcript NM_025114.4 (MANE Select); coding-DNA position 3654, T replaced by C.
Protein change: p.Leu1218=; no amino-acid change (leucine 1218 retained).
Molecular consequence: synonymous variant.
Genome position (GRCh38, 1-based): chr12:88,089,407, A>G on the plus strand (T>C on the coding strand, the complement: CEP290 is on the minus strand). VCF-style: chr12-88089407-A-G. GRCh37 (hg19) VCF-style: chr12-88483184-A-G.
Identifiers: ClinVar variation 196714 (VCV000196714.64), dbSNP rs201838492, ClinGen allele CA202523.